The following is an entry in ClinVar:

NM_001903.5(CTNNA1):c.994C>T (p.Arg332Ter)

Gene: CTNNA1 (catenin alpha 1; plus strand). Cytogenetic location: 5q31.2.
Variant type: single nucleotide variant.
Coding change: c.994C>T on transcript NM_001903.5 (MANE Select); coding-DNA position 994, C replaced by T.
Protein change: p.Arg332Ter; replaces arginine 332 with a stop codon.
Molecular consequence: nonsense.
Genome position (GRCh38, 1-based): chr5:138,827,650, C>T. VCF-style: chr5-138827650-C-T. GRCh37 (hg19) VCF-style: chr5-138163339-C-T.
Other names: c.994C>T, p.Arg332Ter (NM_001290307.3, NM_001323982.2, NM_001323983.1 and 3 more transcripts); c.685C>T, p.Arg229Ter (NM_001290309.3); c.625C>T, p.Arg209Ter (NM_001290310.3); short protein forms R209*, R332*, R229*.
Identifiers: ClinVar variation 1768695 (VCV001768695.7), dbSNP rs371052704, ClinGen allele CA128231293.
Genomic context (GRCh38, chr5:138,827,650, plus strand): 5'-ATCATTAGTGGGGCTGCCTTGATGGCCGACTCGTCCTGCACGCGTGATGACCGTCGTGAG[C>T]GAATTGTGGCAGAGTGTAATGCTGTCCGCCAGGCCCTGCAGGACCTGCTTTCGGAGTACA-3'

ClinVar aggregate classification (germline): Pathogenic. Review status: criteria provided, multiple submitters, no conflicts (2 of 4 stars). 3 submissions from 3 submitters: Pathogenic (3). Last evaluated 2025-06-09.

Conditions:
Hereditary diffuse gastric adenocarcinoma (HDGC). Also called: DIFFUSE GASTRIC AND LOBULAR BREAST CANCER SYNDROME. Identifiers: Orphanet 26106, MedGen C1708349, MONDO:0007648, OMIM 137215.
Hereditary cancer-predisposing syndrome. Also called: Tumor predisposition; Neoplastic Syndromes, Hereditary; Hereditary Cancer Syndrome; Hereditary neoplastic syndrome. Identifiers: Orphanet 140162, MedGen C0027672, MeSH D009386, MONDO:0015356.

gnomAD v4.1: 2 of 1,614,188 alleles (0.00012%); highest among the groups gnomAD compares: South Asian, 0.0011%; no homozygotes.

Submissions (3):

Labcorp Genetics (formerly Invitae), Labcorp
Classification: Pathogenic. Last evaluated: 2025-06-09. Review status: criteria provided, single submitter. Criteria: Invitae Variant Classification Sherloc (09022015). Collection method: clinical testing. Allele origin: germline.
Comment: This sequence change creates a premature translational stop signal (p.Arg332*) in the CTNNA1 gene. It is expected to result in an absent or disrupted protein product. Loss-of-function variants in CTNNA1 are known to be pathogenic (PMID: 32051609, 34425242). This variant is not present in population databases (gnomAD no frequency). This variant has not been reported in the literature in individuals affected with CTNNA1-related conditions. ClinVar contains an entry for this variant (Variation ID: 1768695). For these reasons, this variant has been classified as Pathogenic.

Ambry Genetics
Classification: Pathogenic for Hereditary cancer-predisposing syndrome. Last evaluated: 2025-04-23. Review status: criteria provided, single submitter. Criteria: Ambry Variant Classification Scheme 2023. Collection method: clinical testing. Allele origin: germline.
Comment: The p.R332* variant (also known as c.994C>T), located in coding exon 6 of the CTNNA1 gene, results from a C to T substitution at nucleotide position 994. This changes the amino acid from an arginine to a stop codon within coding exon 6. This alteration is expected to result in loss of function by premature protein truncation or nonsense-mediated mRNA decay. As such, this alteration is interpreted as a disease-causing mutation.

Myriad Genetics, Inc.
Classification: Pathogenic for Hereditary diffuse gastric adenocarcinoma. Last evaluated: 2024-04-25. Review status: criteria provided, single submitter. Criteria: Myriad Autosomal Dominant, Autosomal Recessive and X-Linked Classification Criteria (2023). Collection method: clinical testing. Allele origin: unknown.
Comment: This variant is considered pathogenic. This variant creates a termination codon and is predicted to result in premature protein truncation.

Literature cited by the submitters: PubMed 32051609 (cited by Labcorp Genetics (formerly Invitae), Labcorp); PubMed 34425242 (cited by Labcorp Genetics (formerly Invitae), Labcorp).